The following is an entry in ClinVar:

ClinVar aggregate classification (germline): Uncertain significance (1 of 4 stars; one submission).

Conditions:
Autoimmune enteropathy and endocrinopathy - susceptibility to chronic infections syndrome. Also called: Immunodeficiency 31C, autosomal dominant; Immunodeficiency 31C. Identifiers: Orphanet 391487, MedGen C3279990, MONDO:0013599, OMIM 614162.
Mendelian susceptibility to mycobacterial diseases due to partial STAT1 deficiency. Also called: IMMUNODEFICIENCY 31A, MYCOBACTERIOSIS, AUTOSOMAL DOMINANT; STAT1 DEFICIENCY, AUTOSOMAL DOMINANT; Immunodeficiency 31a. Identifiers: Orphanet 319595, MedGen C4013950, MONDO:0013956, OMIM 614892.
Immunodeficiency 31B. Also called: STAT1 DEFICIENCY, AUTOSOMAL RECESSIVE; IMMUNODEFICIENCY 31B, MYCOBACTERIAL AND VIRAL INFECTIONS, AUTOSOMAL RECESSIVE. Identifiers: Orphanet 391311, MedGen C3151088, MONDO:0013427, OMIM 613796.

Allele frequency attached by ClinVar (database versions not stated): gnomAD exomes 0.00001.
gnomAD v4.1: 3 of 1,614,110 alleles (0.00019%); highest among the groups gnomAD compares: Admixed American, 0.005%; no homozygotes.

Submission:

Labcorp Genetics (formerly Invitae), Labcorp
Classification: Uncertain significance for Mendelian susceptibility to mycobacterial diseases due to partial STAT1 deficiency; Immunodeficiency 31B; Autoimmune enteropathy and endocrinopathy - susceptibility to chronic infections syndrome. Last evaluated: 2025-05-08. Review status: criteria provided, single submitter. Criteria: Invitae Variant Classification Sherloc (09022015). Collection method: clinical testing. Allele origin: germline.
Comment: This sequence change replaces glutamic acid, which is acidic and polar, with glutamine, which is neutral and polar, at codon 212 of the STAT1 protein (p.Glu212Gln). This variant is present in population databases (no rsID available, gnomAD 0.009%). This variant has not been reported in the literature in individuals affected with STAT1-related conditions. ClinVar contains an entry for this variant (Variation ID: 2939437). An algorithm developed to predict the effect of missense changes on protein structure and function (PolyPhen-2) suggests that this variant is likely to be tolerated. In summary, the available evidence is currently insufficient to determine the role of this variant in disease. Therefore, it has been classified as a Variant of Uncertain Significance.

NM_007315.4(STAT1):c.634G>C (p.Glu212Gln)

Gene: STAT1 (signal transducer and activator of transcription 1; minus strand). Cytogenetic location: 2q32.2.
Variant type: single nucleotide variant.
Coding change: c.634G>C on transcript NM_007315.4 (MANE Select); coding-DNA position 634, G replaced by C.
Protein change: p.Glu212Gln; replaces glutamic acid 212 with glutamine.
Molecular consequence: missense variant.
Genome position (GRCh38, 1-based): chr2:190,998,007, C>G on the plus strand (G>C on the coding strand, the complement: STAT1 is on the minus strand). VCF-style: chr2-190998007-C-G. GRCh37 (hg19) VCF-style: chr2-191862733-C-G.
Other names: c.670G>C, p.Glu224Gln (NM_001384891.1); c.634G>C, p.Glu212Gln (NM_139266.3, NM_001384880.1, NM_001384882.1 and 5 more transcripts); c.640G>C, p.Glu214Gln (NM_001384881.1, NM_001384884.1); c.535G>C, p.Glu179Gln (NM_001384883.1); c.544G>C, p.Glu182Gln (NM_001384890.1); short protein forms E179Q, E182Q, E224Q, E214Q, E212Q.
Identifiers: ClinVar variation 2939437 (VCV002939437.3), dbSNP rs1455231935, ClinGen allele CA349923985.